The following is an entry in ClinVar:

NM_007294.4(BRCA1):c.3878C>A (p.Ala1293Asp)

Genes: BRCA1 (BRCA1 DNA repair associated; minus strand), LOC126862571 (BRD4-independent group 4 enhancer GRCh37_chr17:41243136-41244335; plus strand). Cytogenetic location: 17q21.31.
Variant type: single nucleotide variant.
Coding change: c.3878C>A on transcript NM_007294.4 (MANE Select); coding-DNA position 3878, C replaced by A.
Protein change: p.Ala1293Asp; replaces alanine 1293 with aspartic acid.
Molecular consequence: missense variant. On other transcripts: intron variant (135).
Genome position (GRCh38, 1-based): chr17:43,091,653, G>T on the plus strand (C>A on the coding strand, the complement: BRCA1 is on the minus strand). VCF-style: chr17-43091653-G-T. GRCh37 (hg19) VCF-style: chr17-41243670-G-T.
Other names: c.3734C>A, p.Ala1245Asp (NM_001407746.1, NM_001407747.1, NM_001407748.1 and 20 more transcripts); c.3737C>A, p.Ala1246Asp (NM_001407750.1, NM_001407751.1, NM_001407752.1 and 29 more transcripts); c.3665C>A, p.Ala1222Asp (NM_001407853.1, NM_001407894.1, NM_001407895.1 and 9 more transcripts); c.3878C>A, p.Ala1293Asp (NM_001407854.1, NM_001407858.1, NM_001407859.1 and 30 more transcripts); c.3875C>A, p.Ala1292Asp (NM_001407860.1, NM_001407861.1, NM_001407587.1 and 22 more transcripts); c.3677C>A, p.Ala1226Asp (NM_001407862.1); c.3755C>A, p.Ala1252Asp (NM_001407863.1, NM_001407919.1, NM_001407937.1 and 19 more transcripts); c.3674C>A, p.Ala1225Asp (NM_001407874.1, NM_001407875.1); and 41 more; short protein forms A1293D, A1246D, A1166D, A1204D, A1205D, A1226D, A1245D, A1251D.
Identifiers: ClinVar variation 55035 (VCV000055035.11), dbSNP rs80357213, ClinGen allele CA002500.

ClinVar aggregate classification (germline): Conflicting classifications of pathogenicity. Review status: criteria provided, conflicting classifications (1 of 4 stars). 3 submissions from 3 submitters: Uncertain significance (1); Likely benign (1). 1 of the submissions does not count toward it. Last evaluated 2023-03-23.

Conditions:
Hereditary cancer-predisposing syndrome. Also called: Hereditary Cancer Syndrome; Hereditary neoplastic syndrome; Neoplastic Syndromes, Hereditary; Tumor predisposition. Identifiers: Orphanet 140162, MedGen C0027672, MeSH D009386, MONDO:0015356.
Hereditary breast ovarian cancer syndrome. Also called: BRCA1- and BRCA2-Associated Hereditary Breast and Ovarian Cancer; Hereditary breast and ovarian cancer syndrome; Hereditary breast and ovarian cancer syndrome (HBOC); Breast and ovarian cancer; Hereditary breast and/or ovarian cancer syndrome; Hereditary breast and ovarian cancer. Identifiers: Orphanet 145, MedGen C0677776, MeSH D061325, MONDO:0003582. Disease mechanism: loss of function.
Breast-ovarian cancer, familial, susceptibility to, 1 (BROVCA1). Also called: BRCA1 Hereditary Breast and Ovarian Cancer; OVARIAN CANCER, SUSCEPTIBILITY TO. Identifiers: Orphanet 145, MedGen C2676676, MONDO:0011450, OMIM 604370. Disease mechanism: loss of function.

Submissions (3):

University of Washington Department of Laboratory Medicine, University of Washington
Classification: Likely benign for Hereditary cancer-predisposing syndrome. Last evaluated: 2023-03-23. Review status: criteria provided, single submitter. Criteria: Dines et al. (Genet Med. 2020). Collection method: curation. Allele origin: germline.
Comment: Missense variant in a coldspot region where missense variants are very unlikely to be pathogenic (PMID:31911673).

BRCA1 coldspot (exon 11 using historical exon numbering). Reclassification based on statistical prior probability

Labcorp Genetics (formerly Invitae), Labcorp
Classification: Uncertain significance for Hereditary breast ovarian cancer syndrome. Last evaluated: 2016-12-09. Review status: criteria provided, single submitter. Criteria: Invitae Variant Classification Sherloc (09022015). Collection method: clinical testing. Allele origin: germline.
Comment: This sequence change replaces alanine with aspartic acid at codon 1293 of the BRCA1 protein (p.Ala1293Asp). The alanine residue is weakly conserved and there is a moderate physicochemical difference between alanine and aspartic acid. This variant is not present in population databases (ExAC no frequency) and has not been reported in the literature in individuals with a BRCA1-related disease. ClinVar contains an entry for this variant (Variation ID: 55035). Algorithms developed to predict the effect of missense changes on protein structure and function output the following: (SIFT: "Tolerated"; PolyPhen-2: "Benign"; Align-GVGD: "Class C0"). The aspartic acid amino acid residue is found in multiple mammalian species, suggesting that this missense change does not adversely affect protein function. These predictions have not been confirmed by published functional studies. In summary, this variant is a rare missense change that is not predicted to affect protein function. There is no indication that it causes disease, but the available evidence is currently insufficient to prove that conclusively. Therefore, it has been classified as a Variant of Uncertain Significance.

Breast Cancer Information Core (BIC) (BRCA1)
Classification: Uncertain significance for Breast-ovarian cancer, familial 1. Last evaluated: 2004-11-25. Review status: no assertion criteria provided. Collection method: clinical testing. Allele origin: germline. Affected: yes. Observed: 1 variant allele. Not counted in ClinVar's aggregate classification.